The following is an entry in ClinVar:

NM_001040108.2(MLH3):c.570A>C (p.Arg190Ser)

Gene: MLH3 (mutL homolog 3; minus strand). Cytogenetic location: 14q24.3.
Variant type: single nucleotide variant.
Coding change: c.570A>C on transcript NM_001040108.2 (MANE Select); coding-DNA position 570, A replaced by C.
Protein change: p.Arg190Ser; replaces arginine 190 with serine.
Molecular consequence: missense variant.
Genome position (GRCh38, 1-based): chr14:75,049,086, T>G on the plus strand (A>C on the coding strand, the complement: MLH3 is on the minus strand). VCF-style: chr14-75049086-T-G. GRCh37 (hg19) VCF-style: chr14-75515789-T-G.
Other names: c.570A>C, p.Arg190Ser (NM_014381.3); short protein forms R190S.
Identifiers: ClinVar variation 2448680 (VCV002448680.2), dbSNP rs2503323639, ClinGen allele CA390449870.

ClinVar aggregate classification (germline): Uncertain significance (1 of 4 stars; one submission).

Submission:

Ambry Genetics
Classification: Uncertain significance. Last evaluated: 2023-03-03. Review status: criteria provided, single submitter. Criteria: Ambry Variant Classification Scheme 2023. Collection method: clinical testing. Allele origin: germline.
Comment: The p.R190S variant (also known as c.570A>C), located in coding exon 1 of the MLH3 gene, results from an A to C substitution at nucleotide position 570. The arginine at codon 190 is replaced by serine, an amino acid with dissimilar properties. This amino acid position is conserved. In addition, the in silico prediction for this alteration is inconclusive. Since supporting evidence is limited at this time, the clinical significance of this alteration remains unclear.